The following is an entry in ClinVar:

NM_052867.4(NALCN):c.3262C>T (p.Arg1088Cys)

Gene: NALCN (sodium leak channel, non-selective; minus strand). Cytogenetic location: 13q32.3.
Variant type: single nucleotide variant.
Coding change: c.3262C>T on transcript NM_052867.4 (MANE Select); coding-DNA position 3262, C replaced by T.
Protein change: p.Arg1088Cys; replaces arginine 1088 with cysteine.
Molecular consequence: missense variant.
Genome position (GRCh38, 1-based): chr13:101,095,581, G>A on the plus strand (C>T on the coding strand, the complement: NALCN is on the minus strand). VCF-style: chr13-101095581-G-A. GRCh37 (hg19) VCF-style: chr13-101747932-G-A.
Other names: c.3349C>T, p.Arg1117Cys (NM_001350748.2); c.3262C>T, p.Arg1088Cys (NM_001350749.2); c.3175C>T, p.Arg1059Cys (NM_001350750.2, NM_001350751.2); short protein forms R1059C, R1088C, R1117C.
Identifiers: ClinVar variation 1216887 (VCV001216887.4), dbSNP rs777178411, ClinGen allele CA7035457.

ClinVar aggregate classification (germline): Uncertain significance. Review status: criteria provided, multiple submitters, no conflicts (2 of 4 stars). 2 submissions from 2 submitters: Uncertain significance (2). Last evaluated 2024-04-04.

Conditions:
Congenital contractures of the limbs and face, hypotonia, and developmental delay (CLIFAHDD). Identifiers: Orphanet 562528, MedGen C4225398, MONDO:0014556, OMIM 616266.

Allele frequency attached by ClinVar (database versions not stated): gnomAD exomes below 0.00001; ExAC 0.00001.
gnomAD v4.1: 2 of 1,611,332 alleles (0.00012%); highest among the groups gnomAD compares: Non-Finnish European, 0.00017%; no homozygotes.

Submissions (2):

Genomic Medicine Center of Excellence, King Faisal Specialist Hospital and Research Centre
Classification: Uncertain significance for Congenital contractures of the limbs and face, hypotonia, and developmental delay. Last evaluated: 2024-04-04. Review status: criteria provided, single submitter. Criteria: ACMG Guidelines, 2015. Collection method: clinical testing. Allele origin: germline.

GeneDx
Classification: Uncertain significance. Last evaluated: 2021-02-02. Review status: criteria provided, single submitter. Criteria: GeneDx Variant Classification Process June 2021. Collection method: clinical testing. Allele origin: germline. Affected: yes.
Comment: Not observed at a significant frequency in large population cohorts (Lek et al., 2016); In silico analysis, which includes protein predictors and evolutionary conservation, supports a deleterious effect; Has not been previously published as pathogenic or benign to our knowledge